The following is an entry in ClinVar:

NM_000093.5(COL5A1):c.959T>A (p.Met320Lys)

Gene: COL5A1 (collagen type V alpha 1 chain; plus strand). Cytogenetic location: 9q34.3.
Variant type: single nucleotide variant.
Coding change: c.959T>A on transcript NM_000093.5 (MANE Select); coding-DNA position 959, T replaced by A.
Protein change: p.Met320Lys; replaces methionine 320 with lysine.
Molecular consequence: missense variant.
Genome position (GRCh38, 1-based): chr9:134,730,270, T>A. VCF-style: chr9-134730270-T-A. GRCh37 (hg19) VCF-style: chr9-137622116-T-A.
Other names: c.959T>A, p.Met320Lys (NM_001278074.1); short protein forms M320K.
Identifiers: ClinVar variation 2122332 (VCV002122332.4), dbSNP rs2490500796, ClinGen allele CA375449151.

ClinVar aggregate classification (germline): Uncertain significance (1 of 4 stars; one submission).

Conditions:
Ehlers-Danlos syndrome, classic type, 1 (EDSCL1). Also called: EHLERS-DANLOS SYNDROME, GRAVIS TYPE; EHLERS-DANLOS SYNDROME, SEVERE CLASSIC TYPE; Ehlers-Danlos syndrome, type 1; EDS I; Ehlers-Danlos Syndrome, Classic Type, COL5A1-Related. Identifiers: MedGen C0268335, MONDO:0019567, OMIM 130000.

Submission:

Labcorp Genetics (formerly Invitae), Labcorp
Classification: Uncertain significance for Ehlers-Danlos syndrome, classic type, 1. Last evaluated: 2022-04-07. Review status: criteria provided, single submitter. Criteria: Invitae Variant Classification Sherloc (09022015). Collection method: clinical testing. Allele origin: germline.
Comment: In summary, the available evidence is currently insufficient to determine the role of this variant in disease. Therefore, it has been classified as a Variant of Uncertain Significance. This sequence change replaces methionine, which is neutral and non-polar, with lysine, which is basic and polar, at codon 320 of the COL5A1 protein (p.Met320Lys). This variant is not present in population databases (gnomAD no frequency). This variant has not been reported in the literature in individuals affected with COL5A1-related conditions. Advanced modeling of protein sequence and biophysical properties (such as structural, functional, and spatial information, amino acid conservation, physicochemical variation, residue mobility, and thermodynamic stability) performed at Invitae indicates that this missense variant is not expected to disrupt COL5A1 protein function.